The following is an entry in ClinVar:

ClinVar aggregate classification (germline): Likely benign. Review status: criteria provided, multiple submitters, no conflicts (2 of 4 stars). 2 submissions from 2 submitters: Likely benign (2). Last evaluated 2026-04-29.

Conditions:
Congenital myasthenic syndrome 8. Also called: Myasthenic syndrome, congenital, 8, with pre- and postsynaptic defects; MYASTHENIC SYNDROME, CONGENITAL, DUE TO AGRIN DEFICIENCY. Identifiers: Orphanet 590, MedGen C3808739, MONDO:0014052, OMIM 615120.

Allele frequency attached by ClinVar (database versions not stated): ExAC 0.00002; gnomAD exomes 0.00002 and 0.00004; TOPMed 0.00006; gnomAD 0.00007 and 0.00008; ESP Exome Variant Server 0.00008.
gnomAD v4.1: 60 of 1,611,608 alleles (0.0037%); highest among the groups gnomAD compares: African/African-American, 0.008%; no homozygotes.

Submissions (2):

Women's Health and Genetics/Laboratory Corporation of America, LabCorp
Classification: Likely benign. Last evaluated: 2026-04-29. Review status: criteria provided, single submitter. Criteria: LabCorp Variant Classification Summary - May 2015. Collection method: clinical testing. Allele origin: germline.
Comment: Variant summary: AGRN c.1999+18G>A alters a nucleotide located at a position not widely known to affect splicing. Consensus agreement among computation tools predict no significant impact on normal splicing. However, these predictions have yet to be confirmed by functional studies. The variant allele was found at a frequency of 2.4e-05 in 246246 control chromosomes. The available data on variant occurrences in the general population are insufficient to allow any conclusion about variant significance. To our knowledge, no occurrence of c.1999+18G>A in individuals affected with AGRN-related conditions and no experimental evidence demonstrating its impact on protein function have been reported. ClinVar contains an entry for this variant (Variation ID: 1550934). Based on the evidence outlined above, the variant was classified as likely benign.

Labcorp Genetics (formerly Invitae), Labcorp
Classification: Likely benign for Congenital myasthenic syndrome 8. Last evaluated: 2025-12-08. Review status: criteria provided, single submitter. Criteria: Invitae Variant Classification Sherloc (09022015). Collection method: clinical testing. Allele origin: germline.

NM_198576.4(AGRN):c.1999+18G>A

Gene: AGRN (agrin; plus strand). Cytogenetic location: 1p36.33.
Variant type: single nucleotide variant.
Coding change: c.1999+18G>A on transcript NM_198576.4 (MANE Select); 18 bases into the intron after coding-DNA position 1999, G replaced by A.
Molecular consequence: intron variant.
Genome position (GRCh38, 1-based): chr1:1,044,041, G>A. VCF-style: chr1-1044041-G-A. GRCh37 (hg19) VCF-style: chr1-979421-G-A.
Other names: c.1999+18G>A (NM_001305275.2); c.1684+18G>A (NM_001364727.2).
Identifiers: ClinVar variation 1550934 (VCV001550934.9), dbSNP rs375682905, ClinGen allele CA508415.
Genomic context (GRCh38, chr1:1,044,041, plus strand): 5'-CAGACACAGATCGAGGAGGCCCGGGCAGGGCCGTGCGAGCAGGGTAGGCCGGGGGACGCT[G>A]GCGAAAACTGCTGGGCTCTGGCTTTGGACAAGAAGCCCCTGGGTGACTCTGCTCCCCTTC-3'